The following is an entry in ClinVar:

ClinVar aggregate classification (germline): Conflicting classifications of pathogenicity. Review status: criteria provided, conflicting classifications (1 of 4 stars). 2 submissions from 2 submitters: Uncertain significance (1); Likely benign (1). Last evaluated 2025-08-01.

Allele frequency attached by ClinVar (database versions not stated): ExAC 0.00001; gnomAD 0.00001; gnomAD exomes 0.00001.
gnomAD v4.1: 4 of 1,613,716 alleles (0.00025%); highest among the groups gnomAD compares: Admixed American, 0.0033%; no homozygotes.

Submissions (2):

CeGaT Center for Human Genetics Tuebingen
Classification: Likely benign. Last evaluated: 2025-08-01. Review status: criteria provided, single submitter. Criteria: CeGaT Center For Human Genetics Tuebingen Variant Classification Criteria Version 2. Collection method: clinical testing. Allele origin: germline. Affected: yes. Observed: 1 variant allele.
Comment: TGFB1: BP4

Labcorp Genetics (formerly Invitae), Labcorp
Classification: Uncertain significance. Last evaluated: 2025-06-16. Review status: criteria provided, single submitter. Criteria: Invitae Variant Classification Sherloc (09022015). Collection method: clinical testing. Allele origin: germline.
Comment: This sequence change replaces arginine, which is basic and polar, with cysteine, which is neutral and slightly polar, at codon 210 of the TGFB1 protein (p.Arg210Cys). This variant is present in population databases (rs779534698, gnomAD 0.006%). This variant has not been reported in the literature in individuals affected with TGFB1-related conditions. ClinVar contains an entry for this variant (Variation ID: 1379026). Invitae Evidence Modeling of protein sequence and biophysical properties (such as structural, functional, and spatial information, amino acid conservation, physicochemical variation, residue mobility, and thermodynamic stability) indicates that this missense variant is not expected to disrupt TGFB1 protein function with a negative predictive value of 80%. In summary, the available evidence is currently insufficient to determine the role of this variant in disease. Therefore, it has been classified as a Variant of Uncertain Significance.

NM_000660.7(TGFB1):c.628C>T (p.Arg210Cys)

Gene: TGFB1 (transforming growth factor beta 1; minus strand). Cytogenetic location: 19q13.2.
Variant type: single nucleotide variant.
Coding change: c.628C>T on transcript NM_000660.7 (MANE Select); coding-DNA position 628, C replaced by T.
Protein change: p.Arg210Cys; replaces arginine 210 with cysteine.
Molecular consequence: missense variant.
Genome position (GRCh38, 1-based): chr19:41,344,753, G>A on the plus strand (C>T on the coding strand, the complement: TGFB1 is on the minus strand). VCF-style: chr19-41344753-G-A. GRCh37 (hg19) VCF-style: chr19-41850658-G-A.
Other names: short protein forms R210C.
Identifiers: ClinVar variation 1379026 (VCV001379026.14), dbSNP rs779534698, ClinGen allele CA9460051.